The following is an entry in ClinVar:

NM_004336.5(BUB1):c.1937T>G (p.Val646Gly)

Gene: BUB1 (BUB1 mitotic checkpoint serine/threonine kinase; minus strand). Cytogenetic location: 2q13.
Variant type: single nucleotide variant.
Coding change: c.1937T>G on transcript NM_004336.5 (MANE Select); coding-DNA position 1937, T replaced by G.
Protein change: p.Val646Gly; replaces valine 646 with glycine.
Molecular consequence: missense variant.
Genome position (GRCh38, 1-based): chr2:110,653,463, A>C on the plus strand (T>G on the coding strand, the complement: BUB1 is on the minus strand). VCF-style: chr2-110653463-A-C. GRCh37 (hg19) VCF-style: chr2-111411040-A-C.
Other names: c.1877T>G, p.Val626Gly (NM_001278616.2); c.1937T>G, p.Val646Gly (NM_001278617.2); short protein forms V626G, V646G.
Identifiers: ClinVar variation 3224025 (VCV003224025.1), dbSNP rs2467996372, ClinGen allele CA348210267.

ClinVar aggregate classification (germline): Uncertain significance (1 of 4 stars; one submission).

Submission:

Ambry Genetics
Classification: Uncertain significance. Last evaluated: 2024-02-09. Review status: criteria provided, single submitter. Criteria: Ambry Variant Classification Scheme 2023. Collection method: clinical testing. Allele origin: germline.
Comment: The p.V646G variant (also known as c.1937T>G), located in coding exon 17 of the BUB1 gene, results from a T to G substitution at nucleotide position 1937. The valine at codon 646 is replaced by glycine, an amino acid with dissimilar properties. This amino acid position is conserved. In addition, this alteration is predicted to be tolerated by in silico analysis. Based on the available evidence, the clinical significance of this alteration remains unclear.